The following is an entry in ClinVar:

ClinVar aggregate classification (germline): Uncertain significance (1 of 4 stars; one submission).

Conditions:
Autosomal recessive early-onset Parkinson disease 23. Identifiers: Orphanet 2828, MedGen C4225186, MONDO:0014796, OMIM 616840.

gnomAD v4.1: 2 of 1,600,836 alleles (0.00012%); highest among the groups gnomAD compares: East Asian, 0.0022%; no homozygotes.

Submission:

Juno Genomics, Hangzhou Juno Genomics, Inc
Classification: Uncertain significance for Autosomal recessive early-onset Parkinson disease 23. Review status: criteria provided, single submitter. Criteria: ACMG Guidelines, 2015. Collection method: clinical testing. Allele origin: germline.
Comment: Absent from controls (or at extremely low frequency if recessive) in Genome Aggregation Database.;Multiple lines of computational evidence support a deleterious effect on the gene or gene product.

NM_020821.3(VPS13C):c.9953A>T (p.Asp3318Val)

Gene: VPS13C (vacuolar protein sorting 13 homolog C; minus strand). Cytogenetic location: 15q22.2.
Variant type: single nucleotide variant.
Coding change: c.9953A>T on transcript NM_020821.3 (MANE Select); coding-DNA position 9953, A replaced by T.
Protein change: p.Asp3318Val; replaces aspartic acid 3318 with valine.
Molecular consequence: missense variant.
Genome position (GRCh38, 1-based): chr15:61,880,658, T>A on the plus strand (A>T on the coding strand, the complement: VPS13C is on the minus strand). VCF-style: chr15-61880658-T-A. GRCh37 (hg19) VCF-style: chr15-62172857-T-A.
Other names: c.9953A>T, p.Asp3318Val (NM_001018088.3); c.9824A>T, p.Asp3275Val (NM_017684.5, NM_018080.4); short protein forms D3318V, D3275V.
Identifiers: ClinVar variation 5005442 (VCV005005442.2).